The following continues an entry in ClinVar:

NM_000256.3(MYBPC3):c.3535G>A (p.Glu1179Lys)

Gene: MYBPC3. ClinVar aggregate classification (germline): Conflicting classifications of pathogenicity. Uncertain significance (3); Benign (2); Likely benign (13).

Submission 19 of 19:

Department of Pathology and Laboratory Medicine, Sinai Health System
Classification: Uncertain significance. Review status: no assertion criteria provided. Collection method: clinical testing. Allele origin: unknown. Affected: yes. Study: The Canadian Open Genetics Repository (COGR). Not counted in ClinVar's aggregate classification.
Comment: The MYBPC3 p.Glu1179Lys variant was identified in 3 of 1956 proband chromosomes (frequency: 0.0015) from individuals or families with hypertrophic and dilated cardiomyopathies (Pugh_2014_PMID:24503780; Rodrâˆšâ‰ guez-Garcâˆšâ‰ a_2010_PMID:20433692; Kassem_2012_PMID:23233322). The variant was also identified in dbSNP (ID: rs199669878), ClinVar (classified as a VUS by four laboratories and as likely benign by two laboratories) and LOVD 3.0 (classified as a VUS). The variant was identified in control databases in 115 of 278922 chromosomes at a frequency of 0.000412 increasing the likelihood this could be a low frequency benign variant (Genome Aggregation Database Feb 27, 2017). The variant was observed in the following populations: Ashkenazi Jewish in 20 of 10318 chromosomes (freq: 0.001938), South Asian in 40 of 30546 chromosomes (freq: 0.00131), Latino in 16 of 35212 chromosomes (freq: 0.000454), Other in 2 of 7090 chromosomes (freq: 0.000282), European (non-Finnish) in 35 of 127334 chromosomes (freq: 0.000275) and African in 2 of 24006 chromosomes (freq: 0.000083), while the variant was not observed in the East Asian and European (Finnish) populations. The E1179K variant was identified in 1/140 cases of sudden infant death syndrome (Brion_2009). The p.Glu1179 residue is conserved in mammals and 3 of 4 computational analyses (SIFT, AlignGVGD, MutationTaster) suggest that the variant may impact the protein; however this information is not enough to assume pathogenicity. The variant occurs outside of the splicing consensus sequence and in silico or computational prediction software programs (SpliceSiteFinder, MaxEntScan, NNSPLICE, GeneSplicer) do not predict a difference in splicing. In summary, based on the above information the clinical significance of this variant cannot be determined with certainty at this time. This variant is classified as a variant of uncertain significance.

Literature cited by the submitters: PubMed 20433692 (cited by 4 submitters); PubMed 22361390 (cited by Women's Health and Genetics/Laboratory Corporation of America, LabCorp and Ambry Genetics); PubMed 23233322 (cited by 4 submitters); PubMed 26914223 (cited by Women's Health and Genetics/Laboratory Corporation of America, LabCorp and Ambry Genetics); PubMed 28843747 (cited by Women's Health and Genetics/Laboratory Corporation of America, LabCorp and Ambry Genetics); PubMed 30972196 (cited by Women's Health and Genetics/Laboratory Corporation of America, LabCorp and Ambry Genetics); PubMed 22563033 (cited by Women's Health and Genetics/Laboratory Corporation of America, LabCorp); PubMed 23861362 (cited by Ambry Genetics and Laboratory for Molecular Medicine, Mass General Brigham Personalized Medicine); PubMed 24503780 (cited by Ambry Genetics and Laboratory for Molecular Medicine, Mass General Brigham Personalized Medicine); PubMed 25351510 (cited by Ambry Genetics); PubMed 28771489 (cited by Ambry Genetics); PubMed 29420653 (cited by Ambry Genetics); PubMed 29511324 (cited by Ambry Genetics); PubMed 30847666 (cited by Ambry Genetics); PubMed 31980526 (cited by Ambry Genetics); PubMed 33190526 (cited by Ambry Genetics).